The following is an entry in ClinVar:

NM_000051.4(ATM):c.2716_2717insG (p.Leu906fs)

Gene: ATM (ATM serine/threonine kinase; plus strand). Cytogenetic location: 11q22.3.
Variant type: Insertion.
Coding change: c.2716_2717insG on transcript NM_000051.4 (MANE Select); coding-DNA positions 2716 to 2717, G inserted.
Protein change: p.Leu906fs; shifts the reading frame from leucine 906.
Molecular consequence: frameshift variant.
Genome position: GRCh38 VCF-style: chr11-108268487-T-TG. GRCh37 (hg19) VCF-style: chr11-108139214-T-TG.
Other names: c.2716_2717insG, p.Leu906fs (NM_001351834.2); short protein forms L906fs.
Identifiers: ClinVar variation 4617055 (VCV004617055.1).

ClinVar aggregate classification (germline): Pathogenic (1 of 4 stars; one submission).

Conditions:
Hereditary cancer-predisposing syndrome. Also called: Neoplastic Syndromes, Hereditary; Tumor predisposition; Hereditary Cancer Syndrome; Hereditary neoplastic syndrome. Identifiers: Orphanet 140162, MedGen C0027672, MeSH D009386, MONDO:0015356.

Submission:

Ambry Genetics
Classification: Pathogenic for Hereditary cancer-predisposing syndrome. Last evaluated: 2025-09-15. Review status: criteria provided, single submitter. Criteria: Ambry Variant Classification Scheme 2023. Collection method: clinical testing. Allele origin: germline.
Comment: The c.2716_2717insG pathogenic mutation, located in coding exon 17 of the ATM gene, results from an insertion of one nucleotide at position 2716, causing a translational frameshift with a predicted alternate stop codon (p.L906Cfs*14). This variant is considered to be rare based on population cohorts in the Genome Aggregation Database (gnomAD). This alteration is expected to result in loss of function by premature protein truncation or nonsense-mediated mRNA decay. Based on the supporting evidence, this variant is interpreted as a disease-causing mutation.